The following is an entry in ClinVar:

ClinVar aggregate classification (germline): Uncertain significance (1 of 4 stars; one submission).

Conditions:
Hereditary cancer-predisposing syndrome. Also called: Neoplastic Syndromes, Hereditary; Tumor predisposition; Hereditary neoplastic syndrome; Hereditary Cancer Syndrome. Identifiers: Orphanet 140162, MedGen C0027672, MeSH D009386, MONDO:0015356.

gnomAD v4.1: 4 of 1,612,598 alleles (0.00025%); highest among the groups gnomAD compares: Non-Finnish European, 0.00034%; no homozygotes.

Submission:

Ambry Genetics
Classification: Uncertain significance for Hereditary cancer-predisposing syndrome. Last evaluated: 2023-02-05. Review status: criteria provided, single submitter. Criteria: Ambry Variant Classification Scheme 2023. Collection method: clinical testing. Allele origin: germline.
Comment: The p.R65G variant (also known as c.193C>G), located in coding exon 1 of the ALK gene, results from a C to G substitution at nucleotide position 193. The arginine at codon 65 is replaced by glycine, an amino acid with dissimilar properties. This amino acid position is conserved. In addition, this alteration is predicted to be deleterious by in silico analysis. Since supporting evidence is limited at this time, the clinical significance of this alteration remains unclear.

NM_004304.5(ALK):c.193C>G (p.Arg65Gly)

Gene: ALK (ALK receptor tyrosine kinase; minus strand). Cytogenetic location: 2p23.1.
Variant type: single nucleotide variant.
Coding change: c.193C>G on transcript NM_004304.5 (MANE Select); coding-DNA position 193, C replaced by G.
Protein change: p.Arg65Gly; replaces arginine 65 with glycine.
Molecular consequence: missense variant.
Genome position (GRCh38, 1-based): chr2:29,920,467, G>C on the plus strand (C>G on the coding strand, the complement: ALK is on the minus strand). VCF-style: chr2-29920467-G-C. GRCh37 (hg19) VCF-style: chr2-30143333-G-C.
Other names: short protein forms R65G.
Identifiers: ClinVar variation 2452126 (VCV002452126.2), dbSNP rs1343353214, ClinGen allele CA346590510.